The following is an entry in ClinVar:

NM_005502.4(ABCA1):c.6701C>T (p.Ser2234Leu)

Genes: ABCA1 (ATP binding cassette subfamily A member 1; minus strand), NIPSNAP3B (nipsnap homolog 3B; plus strand). Cytogenetic location: 9q31.1.
Variant type: single nucleotide variant.
Coding change: c.6701C>T on transcript NM_005502.4 (MANE Select); coding-DNA position 6701, C replaced by T.
Protein change: p.Ser2234Leu; replaces serine 2234 with leucine.
Molecular consequence: missense variant.
Genome position (GRCh38, 1-based): chr9:104,784,400, G>A on the plus strand (C>T on the coding strand, the complement: ABCA1 is on the minus strand). VCF-style: chr9-104784400-G-A. GRCh37 (hg19) VCF-style: chr9-107546681-G-A.
Other names: short protein forms S2234L.
Identifiers: ClinVar variation 1755011 (VCV001755011.8), dbSNP rs762540648, ClinGen allele CA5167480.
Genomic context (GRCh38, chr9:104,784,400, plus strand): 5'-TCATCCTGTAGAAAAGATGTGAGAACTGCAACGTCCACTACTGTCTGGTTTTTGTGTAAT[G>A]AGAGGTCTTTTAAGTGGTCATCATCACTTTGGTCCTTGGCAAAGTTCACAAATACCTGTT-3'
Protein context (NP_005493.2, residues 2224-2244): QSDDDHLKDL[Ser2234Leu]LHKNQTVVDV

ClinVar aggregate classification (germline): Conflicting classifications of pathogenicity. Review status: criteria provided, conflicting classifications (1 of 4 stars). 2 submissions from 2 submitters: Uncertain significance (1); Likely benign (1). Last evaluated 2025-12-03.

Conditions:
Cardiovascular phenotype. Identifiers: MedGen CN230736.

Allele frequency attached by ClinVar (database versions not stated): TOPMed below 0.00001; gnomAD 0.00001; gnomAD exomes 0.00006; ExAC 0.00007.
gnomAD v4.1: 85 of 1,613,970 alleles (0.0053%); highest among the groups gnomAD compares: Non-Finnish European, 0.0069%; no homozygotes.

Submissions (2):

Labcorp Genetics (formerly Invitae), Labcorp
Classification: Likely benign. Last evaluated: 2025-12-03. Review status: criteria provided, single submitter. Criteria: Invitae Variant Classification Sherloc (09022015). Collection method: clinical testing. Allele origin: germline.

Ambry Genetics
Classification: Uncertain significance for Cardiovascular phenotype. Last evaluated: 2021-11-28. Review status: criteria provided, single submitter. Criteria: Ambry Variant Classification Scheme 2023. Collection method: clinical testing. Allele origin: germline.
Comment: The p.S2234L variant (also known as c.6701C>T), located in coding exon 49 of the ABCA1 gene, results from a C to T substitution at nucleotide position 6701. The serine at codon 2234 is replaced by leucine, an amino acid with dissimilar properties. This amino acid position is conserved. In addition, the in silico prediction for this alteration is inconclusive. Since supporting evidence is limited at this time, the clinical significance of this alteration remains unclear.